The following is an entry in ClinVar:

NM_001846.4(COL4A2):c.2203+1G>C

Gene: COL4A2 (collagen type IV alpha 2 chain; plus strand). Cytogenetic location: 13q34.
Variant type: single nucleotide variant.
Coding change: c.2203+1G>C on transcript NM_001846.4 (MANE Select); the canonical splice donor site of the intron after coding-DNA position 2203, G replaced by C.
Molecular consequence: splice donor variant.
Genome position (GRCh38, 1-based): chr13:110,469,325, G>C. VCF-style: chr13-110469325-G-C. GRCh37 (hg19) VCF-style: chr13-111121672-G-C.
Identifiers: ClinVar variation 2429006 (VCV002429006.4), dbSNP rs2502135104, ClinGen allele CA388741052.

ClinVar aggregate classification (germline): Likely pathogenic (1 of 4 stars; one submission).

Conditions:
Brain small vessel disease 2A, autosomal dominant. Also called: Porencephaly 2. Identifiers: Orphanet 2940, Orphanet 99810, MedGen C3280970, MONDO:0013773, OMIM 614483.

Submission:

Greenwood Genetic Center Diagnostic Laboratories, Greenwood Genetic Center
Classification: Likely pathogenic for Brain small vessel disease 2A, autosomal dominant. Last evaluated: 2022-11-28. Review status: criteria provided, single submitter. Criteria: ACMG Guidelines, 2015. Collection method: clinical testing. Allele origin: germline. Affected: yes.
Comment: PP3_Strong, PM2